The following is an entry in ClinVar:

NM_002473.6(MYH9):c.833A>G (p.Tyr278Cys)

Gene: MYH9 (myosin heavy chain 9; minus strand). Cytogenetic location: 22q12.3.
Variant type: single nucleotide variant.
Coding change: c.833A>G on transcript NM_002473.6 (MANE Select); coding-DNA position 833, A replaced by G.
Protein change: p.Tyr278Cys; replaces tyrosine 278 with cysteine.
Molecular consequence: missense variant.
Genome position (GRCh38, 1-based): chr22:36,320,833, T>C on the plus strand (A>G on the coding strand, the complement: MYH9 is on the minus strand). VCF-style: chr22-36320833-T-C. GRCh37 (hg19) VCF-style: chr22-36716878-T-C.
Other names: short protein forms Y278C.
Identifiers: ClinVar variation 179433 (VCV000179433.9), dbSNP rs727504863, ClinGen allele CA184412.

ClinVar aggregate classification (germline): Uncertain significance. Review status: criteria provided, multiple submitters, no conflicts (2 of 4 stars). 4 submissions from 4 submitters: Uncertain significance (4). Last evaluated 2025-11-10.

Conditions:
Macrothrombocytopenia and granulocyte inclusions with or without nephritis or sensorineural hearing loss (MATINS). Also called: BLEEDING DISORDER, PLATELET-TYPE, 6; DOHLE LEUKOCYTE INCLUSIONS WITH GIANT PLATELETS; MACROTHROMBOCYTOPENIA WITH LEUKOCYTE INCLUSIONS; MYH9-Related Disease (MYH9-RD); MAY-HEGGLIN ANOMALY; SEBASTIAN PLATELET SYNDROME. Identifiers: Orphanet 182050, MedGen C5200934, MONDO:0015912, OMIM 155100.
Autosomal dominant nonsyndromic hearing loss 17. Also called: Deafness, autosomal dominant 17; Autosomal dominant nonsyndromic deafness 17. Identifiers: Orphanet 90635, MedGen C1863659, MONDO:0011350, OMIM 603622.

Allele frequency attached by ClinVar (database versions not stated): gnomAD exomes below 0.00001; ExAC 0.00001; TOPMed 0.00002; gnomAD 0.00002.
gnomAD v4.1: 8 of 1,613,990 alleles (0.0005%); highest among the groups gnomAD compares: Admixed American, 0.0017%; no homozygotes.

Submissions (4):

Dasa
Classification: Uncertain significance for macrothrombocytopenia and granulocyte inclusions with or without nephritis or sensorineural hearing loss. Last evaluated: 2025-11-10. Review status: criteria provided, single submitter. Criteria: DASA Assertion Criteria. Collection method: clinical testing. Allele origin: germline.
Comment: NM_002473.6(MYH9):c.833A>G (p.Tyr278Cys) is a missense variant that results in the substitution of tyrosine with cysteine. This variant is rare in population databases. Computational prediction algorithms are consistent with a deleterious effect. The currently available literature and clinical evidence are not sufficient to establish a definitive association between this variant and the reported condition. Therefore, this variant is classified as a variant of uncertain significance.

Fulgent Genetics
Classification: Uncertain significance for Macrothrombocytopenia and granulocyte inclusions with or without nephritis or sensorineural hearing loss; Autosomal dominant nonsyndromic hearing loss 17. Last evaluated: 2023-12-28. Review status: criteria provided, single submitter. Criteria: ACMG Guidelines, 2015. Collection method: clinical testing. Allele origin: germline.

Laboratory for Molecular Medicine, Mass General Brigham Personalized Medicine
Classification: Uncertain significance. Last evaluated: 2013-11-26. Review status: criteria provided, single submitter. Criteria: LMM Criteria. Collection method: clinical testing. Allele origin: germline. Observed: 1 variant allele.
Comment: The Tyr278Cys variant in MYH9 has not been previously reported in individuals wi th hearing loss or in large population studies. Computational analyses (biochemi cal amino acid properties, conservation, AlignGVGD, PolyPhen2, and SIFT) suggest that the Tyr278Cys variant may impact the protein, though this information is n ot predictive enough to determine pathogenicity. Additional information is neede d to fully assess the clinical significance of this variant.

Neuberg Centre For Genomic Medicine, NCGM
Classification: Uncertain significance for Macrothrombocytopenia and granulocyte inclusions with or without nephritis or sensorineural hearing loss. Review status: criteria provided, single submitter. Criteria: ACMG Guidelines, 2015. Collection method: clinical testing. Allele origin: germline. Inheritance: Autosomal dominant inheritance. Affected: yes.